The following is an entry in ClinVar:

ClinVar aggregate classification (germline): Uncertain significance (1 of 4 stars; one submission).

Conditions:
Heart and brain malformation syndrome (HBMS). Identifiers: MedGen C4310793, MONDO:0014833, OMIM 616920.

Allele frequency attached by ClinVar (database versions not stated): gnomAD 0.00001; TOPMed 0.00002; ESP Exome Variant Server 0.00008; ExAC 0.00009.
gnomAD v4.1: 44 of 1,613,766 alleles (0.0027%); highest among the groups gnomAD compares: Middle Eastern, 0.033%; no homozygotes.

Submission:

Neuberg Centre For Genomic Medicine, NCGM
Classification: Uncertain significance for Heart and brain malformation syndrome. Review status: criteria provided, single submitter. Criteria: ACMG Guidelines, 2015. Collection method: clinical testing. Allele origin: germline. Inheritance: Autosomal recessive inheritance. Affected: yes.
Comment: The missense variant in c.490C>T (p.Pro164Ser) in SMG9 gene has not been reported previously as a pathogenic variant nor as a benign variant, to our knowledge. The p.Pro164Ser variant is reported with the allele frequency of 0.004801% in gnomAD database and is novel (not in any individuals) in 1000 Genomes. The amino acid Pro at position 164 is changed to a Ser changing protein sequence and it might alter its composition and physico-chemical properties. The variant is predicted to be damaging by PolyPhen2 and the residue is conserved across species. The amino acid change p.Pro164Ser in SMG9 is predicted as conserved by GERP++ and PhyloP across 100 vertebrates. For these reasons, this variant has been classified as Uncertain Significance.

NM_019108.4(SMG9):c.490C>T (p.Pro164Ser)

Gene: SMG9 (SMG9 nonsense mediated mRNA decay factor; minus strand). Cytogenetic location: 19q13.31.
Variant type: single nucleotide variant.
Coding change: c.490C>T on transcript NM_019108.4 (MANE Select); coding-DNA position 490, C replaced by T.
Protein change: p.Pro164Ser; replaces proline 164 with serine.
Molecular consequence: missense variant.
Genome position (GRCh38, 1-based): chr19:43,747,633, G>A on the plus strand (C>T on the coding strand, the complement: SMG9 is on the minus strand). VCF-style: chr19-43747633-G-A. GRCh37 (hg19) VCF-style: chr19-44251785-G-A.
Other names: short protein forms P164S.
Identifiers: ClinVar variation 2585432 (VCV002585432.1), dbSNP rs143775531, ClinGen allele CA9491511.